The following is an entry in ClinVar:

ClinVar aggregate classification (germline): Pathogenic (1 of 4 stars; one submission).

Conditions:
Tatton-Brown-Rahman overgrowth syndrome. Also called: Tall stature-intellectual disability-facial dysmorphism syndrome; Tatton-Brown-Rahman syndrome. Identifiers: Orphanet 404443, MedGen C4014545, MONDO:0014382, OMIM 615879.

Submission:

Labcorp Genetics (formerly Invitae), Labcorp
Classification: Pathogenic for Tatton-Brown-Rahman overgrowth syndrome. Last evaluated: 2024-10-28. Review status: criteria provided, single submitter. Criteria: Invitae Variant Classification Sherloc (09022015). Collection method: clinical testing. Allele origin: germline.
Comment: This sequence change creates a premature translational stop signal (p.Ala254Aspfs*62) in the DNMT3A gene. It is expected to result in an absent or disrupted protein product. Loss-of-function variants in DNMT3A are known to be pathogenic (PMID: 24614070). This variant is not present in population databases (gnomAD no frequency). This variant has not been reported in the literature in individuals affected with DNMT3A-related conditions. For these reasons, this variant has been classified as Pathogenic.

Literature cited by the submitters: PubMed 24614070.

NM_022552.5(DNMT3A):c.761del (p.Ala254fs)

Gene: DNMT3A (DNA methyltransferase 3 alpha; minus strand). Cytogenetic location: 2p23.3.
Variant type: Deletion.
Coding change: c.761del on transcript NM_022552.5 (MANE Select); coding-DNA position 761, one base deleted (C; older notation c.761delC).
Protein change: p.Ala254fs; shifts the reading frame from alanine 254.
Molecular consequence: frameshift variant. On other transcripts: non-coding transcript variant (1).
Genome position (GRCh38, 1-based): chr2:25,248,131, G deleted on the plus strand (C on the coding strand, the reverse complement: DNMT3A is on the minus strand). VCF-style (leftmost placement, unchanged base first): chr2-25248130-TG-T. GRCh37 (hg19) VCF-style: chr2-25470999-TG-T.
Other names: c.194del, p.Ala65fs (NM_153759.3); c.761del, p.Ala254fs (NM_175629.2); c.305del, p.Ala102fs (NM_001320893.1); c.92del, p.Ala31fs (NM_001375819.1); short protein forms A31fs, A102fs, A254fs, A65fs.
Identifiers: ClinVar variation 3723962 (VCV003723962.2).
Genomic context (GRCh38, chr2:25,248,130, plus strand): 5'-GGCATTCTTGTCCCCAGCATCGGACCCCACGGGCTCAGGCGTGGTAGCCACAGTGGGGGA[TG>T]CGGGGTCAGTGGGCTGCTGCACAGCAGGAGGGCTGGCCTCCTCCACCTTCTGAGACTCCC-3'